The following is an entry in ClinVar:

NM_198506.5(LRIT3):c.1759G>A (p.Val587Met)

Gene: LRIT3 (leucine rich repeat, Ig-like and transmembrane domains 3; plus strand). Cytogenetic location: 4q25.
Variant type: single nucleotide variant.
Coding change: c.1759G>A on transcript NM_198506.5 (MANE Select); coding-DNA position 1759, G replaced by A.
Protein change: p.Val587Met; replaces valine 587 with methionine.
Molecular consequence: missense variant.
Genome position (GRCh38, 1-based): chr4:109,870,508, G>A. VCF-style: chr4-109870508-G-A. GRCh37 (hg19) VCF-style: chr4-110791664-G-A.
Other names: c.1624G>A (NM_198506.2); short protein forms V587M.
Identifiers: ClinVar variation 948738 (VCV000948738.6), dbSNP rs747651486, ClinGen allele CA3043256.

ClinVar aggregate classification (germline): Uncertain significance. Review status: criteria provided, multiple submitters, no conflicts (2 of 4 stars). 3 submissions from 3 submitters: Uncertain significance (3). Last evaluated 2025-05-05.

Conditions:
Inborn genetic diseases. Identifiers: MedGen C0950123, MeSH D030342.

Allele frequency attached by ClinVar (database versions not stated): gnomAD 0.00001; TOPMed 0.00002.
gnomAD v4.1: 9 of 1,614,010 alleles (0.00056%); highest among the groups gnomAD compares: Admixed American, 0.0083%; no homozygotes.

Submissions (3):

Ambry Genetics
Classification: Uncertain significance for Inborn genetic diseases. Last evaluated: 2025-05-05. Review status: criteria provided, single submitter. Criteria: Ambry Variant Classification Scheme 2023. Collection method: clinical testing. Allele origin: germline.

Blueprint Genetics
Classification: Uncertain significance. Last evaluated: 2024-05-27. Review status: criteria provided, single submitter. Criteria: ACMG Guidelines, 2015. Collection method: clinical testing. Allele origin: germline.

Labcorp Genetics (formerly Invitae), Labcorp
Classification: Uncertain significance. Last evaluated: 2019-07-07. Review status: criteria provided, single submitter. Criteria: Invitae Variant Classification Sherloc (09022015). Collection method: clinical testing. Allele origin: germline.
Comment: In summary, the available evidence is currently insufficient to determine the role of this variant in disease. Therefore, it has been classified as a Variant of Uncertain Significance. Algorithms developed to predict the effect of missense changes on protein structure and function are either unavailable or do not agree on the potential impact of this missense change (SIFT: "Deleterious"; PolyPhen-2: "Benign"; Align-GVGD: "Class C0"). This variant has not been reported in the literature in individuals with LRIT3-related conditions. This variant is present in population databases (rs747651486, ExAC 0.02%). This sequence change replaces valine with methionine at codon 587 of the LRIT3 protein (p.Val587Met). The valine residue is moderately conserved and there is a small physicochemical difference between valine and methionine.